The following is an entry in ClinVar:

NM_005097.4(LGI1):c.717A>C (p.Ile239=)

Gene: LGI1 (leucine rich glioma inactivated 1; plus strand). Cytogenetic location: 10q23.33.
Variant type: single nucleotide variant.
Coding change: c.717A>C on transcript NM_005097.4 (MANE Select); coding-DNA position 717, A replaced by C.
Protein change: p.Ile239=; no amino-acid change (isoleucine 239 retained).
Molecular consequence: synonymous variant. On other transcripts: non-coding transcript variant (1).
Genome position (GRCh38, 1-based): chr10:93,793,229, A>C. VCF-style: chr10-93793229-A-C. GRCh37 (hg19) VCF-style: chr10-95552986-A-C.
Other names: p.I239I:ATA>ATC; p.Ile239=; c.717A>C, p.Ile239= (NM_001308275.2); c.573A>C, p.Ile191= (NM_001308276.2).
Identifiers: ClinVar variation 138113 (VCV000138113.47), dbSNP rs146425212, ClinGen allele CA291921.

ClinVar aggregate classification (germline): Conflicting classifications of pathogenicity. Review status: criteria provided, conflicting classifications (1 of 4 stars). 9 submissions from 9 submitters: Uncertain significance (2); Benign (1); Likely benign (6). Last evaluated 2026-08-01.

Conditions:
Autosomal dominant epilepsy with auditory features. Identifiers: Orphanet 101046, MedGen C1838062, MONDO:0010898.
Inborn genetic diseases. Identifiers: MedGen C0950123, MeSH D030342.
Epilepsy, familial temporal lobe, 1. Identifiers: Orphanet 101046, MedGen CN030884, MONDO:0700090, OMIM 600512.

Allele frequency attached by ClinVar (database versions not stated): ExAC 0.00026; gnomAD exomes 0.00031 and 0.00061; TOPMed 0.00037; gnomAD 0.00039 and 0.00043; ESP Exome Variant Server 0.00046.
gnomAD v4.1: 949 of 1,613,228 alleles (0.059%); highest among the groups gnomAD compares: Non-Finnish European, 0.074%; no homozygotes.

Submissions (9):

CeGaT Center for Human Genetics Tuebingen
Classification: Likely benign. Last evaluated: 2026-08-01. Review status: criteria provided, single submitter. Criteria: CeGaT Center For Human Genetics Tuebingen Variant Classification Criteria Version 2. Collection method: clinical testing. Allele origin: germline. Affected: yes. Observed: 2 variant alleles.
Comment: LGI1: BP4

Labcorp Genetics (formerly Invitae), Labcorp
Classification: Likely benign for Autosomal dominant epilepsy with auditory features. Last evaluated: 2026-01-26. Review status: criteria provided, single submitter. Criteria: Invitae Variant Classification Sherloc (09022015). Collection method: clinical testing. Allele origin: germline.

Mayo Clinic Laboratories, Mayo Clinic
Classification: Likely benign. Last evaluated: 2025-08-19. Review status: criteria provided, single submitter. Criteria: ACMG Guidelines, 2015. Collection method: clinical testing. Allele origin: germline. Observed: 1 variant allele.
Comment: BS2, BP4, BP7

Blueprint Genetics
Classification: Likely benign. Last evaluated: 2024-11-15. Review status: criteria provided, single submitter. Criteria: ACMG Guidelines, 2015. Collection method: clinical testing. Allele origin: germline.

Athena Diagnostics
Classification: Likely benign. Last evaluated: 2018-08-30. Review status: criteria provided, single submitter. Criteria: Athena Diagnostics Criteria. Collection method: clinical testing. Allele origin: germline.

Eurofins Ntd Llc (ga)
Classification: Uncertain significance. Last evaluated: 2018-06-21. Review status: criteria provided, single submitter. Criteria: EGL ClinVar v180209 classification definitions. Collection method: clinical testing. Allele origin: germline. Observed: 2 variant alleles, 2 heterozygotes.

Ambry Genetics
Classification: Likely benign for Inborn genetic diseases. Last evaluated: 2017-06-15. Review status: criteria provided, single submitter. Criteria: Ambry Variant Classification Scheme 2023. Collection method: clinical testing. Allele origin: germline.

Illumina Laboratory Services, Illumina
Classification: Uncertain significance for Epilepsy, familial temporal lobe, 1. Last evaluated: 2017-04-28. Review status: criteria provided, single submitter. Criteria: ICSL Variant Classification Criteria 13 December 2019. Collection method: clinical testing. Allele origin: germline.
Comment: This variant was observed as part of a predisposition screen in an ostensibly healthy population. A literature search was performed for the gene, cDNA change, and amino acid change (where applicable). Publications were found based on this search. However, the evidence from the literature, in combination with allele frequency data from public databases where available, was not sufficient to rule this variant in or out of causing disease. Therefore, this variant is classified as a variant of unknown significance.

GeneDx
Classification: Benign. Last evaluated: 2013-07-16. Review status: criteria provided, single submitter. Criteria: GeneDx Variant Classification (06012015). Collection method: clinical testing. Allele origin: germline. Affected: yes.
Comment: This variant is considered likely benign or benign based on one or more of the following criteria: it is a conservative change, it occurs at a poorly conserved position in the protein, it is predicted to be benign by multiple in silico algorithms, and/or has population frequency not consistent with disease.

Literature cited by the submitters: PubMed 15079010 (cited by 3 submitters).